The following is an entry in ClinVar:

NM_001164508.2(NEB):c.19285G>A (p.Ala6429Thr)

Gene: NEB (nebulin; minus strand). Cytogenetic location: 2q23.3.
Variant type: single nucleotide variant.
Coding change: c.19285G>A on transcript NM_001164508.2 (MANE Select); coding-DNA position 19285, G replaced by A.
Protein change: p.Ala6429Thr; replaces alanine 6429 with threonine.
Molecular consequence: missense variant.
Genome position (GRCh38, 1-based): chr2:151,560,621, C>T on the plus strand (G>A on the coding strand, the complement: NEB is on the minus strand). VCF-style: chr2-151560621-C-T. GRCh37 (hg19) VCF-style: chr2-152417135-C-T.
Other names: c.19285G>A, p.Ala6429Thr (NM_001164507.2, NM_001271208.2); c.14182G>A, p.Ala4728Thr (NM_004543.5); short protein forms A6429T, A4728T.
Identifiers: ClinVar variation 281125 (VCV000281125.27), dbSNP rs149752325, ClinGen allele CA1907704.

ClinVar aggregate classification (germline): Benign/Likely benign. Review status: criteria provided, multiple submitters, no conflicts (2 of 4 stars). 7 submissions from 7 submitters: Benign (5); Likely benign (2). Last evaluated 2026-01-15.

Conditions:
Arthrogryposis multiplex congenita 6. Identifiers: MedGen C5543431, MONDO:0030281, OMIM 619334.
Nemaline myopathy 2 (NEM2). Also called: Nemaline myopathy 2, autosomal recessive. Identifiers: MedGen C1850569, MONDO:0009725, OMIM 256030.

Allele frequency attached by ClinVar (database versions not stated): ESP Exome Variant Server 0.00016; gnomAD exomes 0.00164 and 0.00554; gnomAD 0.00181 and 0.00239; TOPMed 0.00327; ExAC 0.00597; 1000 Genomes Project 30x 0.01015; 1000 Genomes Project 0.01158.
gnomAD v4.1: 2,907 of 1,612,088 alleles (0.18%); highest among the groups gnomAD compares: East Asian, 3.3%; 43 homozygotes.

Submissions (7):

Labcorp Genetics (formerly Invitae), Labcorp
Classification: Benign for Nemaline myopathy 2. Last evaluated: 2026-01-15. Review status: criteria provided, single submitter. Criteria: Invitae Variant Classification Sherloc (09022015). Collection method: clinical testing. Allele origin: germline.

CeGaT Center for Human Genetics Tuebingen
Classification: Benign. Last evaluated: 2025-12-01. Review status: criteria provided, single submitter. Criteria: CeGaT Center For Human Genetics Tuebingen Variant Classification Criteria Version 2. Collection method: clinical testing. Allele origin: germline. Affected: yes. Observed: 1 variant allele.
Comment: NEB: BP4, BS1, BS2

Blueprint Genetics
Classification: Likely benign. Last evaluated: 2024-11-25. Review status: criteria provided, single submitter. Criteria: ACMG Guidelines, 2015. Collection method: clinical testing. Allele origin: germline.

Fulgent Genetics
Classification: Likely benign for Nemaline myopathy 2; Arthrogryposis multiplex congenita 6. Last evaluated: 2022-04-06. Review status: criteria provided, single submitter. Criteria: ACMG Guidelines, 2015. Collection method: clinical testing. Allele origin: unknown.

Illumina Laboratory Services, Illumina
Classification: Benign for Nemaline myopathy 2. Last evaluated: 2018-01-13. Review status: criteria provided, single submitter. Criteria: ICSL Variant Classification Criteria 13 December 2019. Collection method: clinical testing. Allele origin: germline.
Comment: This variant was observed in the ICSL laboratory as part of a predisposition screen in an ostensibly healthy population. It had not been previously curated by ICSL or reported in the Human Gene Mutation Database (HGMD: prior to June 1st, 2018), and was therefore a candidate for classification through an automated scoring system. Utilizing variant allele frequency, disease prevalence and penetrance estimates, and inheritance mode, an automated score was calculated to assess if this variant is too frequent to cause the disease. Based on the score and internal cut-off values, a variant classified as benign is not then subjected to further curation. The score for this variant resulted in a classification of benign for this disease.

Eurofins Ntd Llc (ga)
Classification: Benign. Last evaluated: 2015-10-13. Review status: criteria provided, single submitter. Criteria: EGL Classification Definitions 2015. Collection method: clinical testing. Allele origin: germline. Observed: 2 variant alleles, 1 heterozygote.

Breakthrough Genomics
Classification: Benign. Review status: criteria provided, single submitter. Criteria: ACMG Guidelines, 2015. Collection method: not provided. Allele origin: germline. Inheritance: Autosomal recessive inheritance. Affected: yes.